The following is an entry in ClinVar:

NM_000548.5(TSC2):c.1373G>A (p.Arg458Gln)

Gene: TSC2 (TSC complex subunit 2; plus strand). Cytogenetic location: 16p13.3.
Variant type: single nucleotide variant.
Coding change: c.1373G>A on transcript NM_000548.5 (MANE Select); coding-DNA position 1373, G replaced by A.
Protein change: p.Arg458Gln; replaces arginine 458 with glutamine.
Molecular consequence: missense variant.
Genome position (GRCh38, 1-based): chr16:2,062,983, G>A. VCF-style: chr16-2062983-G-A. GRCh37 (hg19) VCF-style: chr16-2112984-G-A.
Other names: c.1373G>A, p.Arg458Gln (NM_001077183.3, NM_001114382.3, NM_001363528.2 and 3 more transcripts); c.1262G>A, p.Arg421Gln (NM_001318827.2); c.1226G>A, p.Arg409Gln (NM_001318829.2); c.773G>A, p.Arg258Gln (NM_001318831.2); c.1406G>A, p.Arg469Gln (NM_001318832.2); short protein forms R458Q, R409Q, R469Q, R258Q, R421Q.
Identifiers: ClinVar variation 237964 (VCV000237964.29), dbSNP rs878854077, ClinGen allele CA10583294.

ClinVar aggregate classification (germline): Conflicting classifications of pathogenicity. Review status: criteria provided, conflicting classifications (1 of 4 stars). 8 submissions from 8 submitters: Uncertain significance (5); Likely benign (3). Last evaluated 2026-01-16.

Conditions:
Isolated focal cortical dysplasia type II (FCORD2). Also called: Focal cortical dysplasia type II; CORTICAL DYSPLASIA OF TAYLOR. Identifiers: Orphanet 268994, MedGen C1846385, MONDO:0011818, OMIM 607341, HP:0032051.
Tuberous sclerosis 2 (TSC2). Identifiers: Orphanet 805, MedGen C1860707, MONDO:0013199, OMIM 613254.
Lymphangiomyomatosis (LAM). Also called: Lymphangioleiomyomatosis; Lymphangioleiomyomatosis, somatic. Identifiers: Orphanet 538, MedGen C0751674, MONDO:0011705, OMIM 606690.
Hereditary cancer-predisposing syndrome. Also called: Tumor predisposition; Hereditary Cancer Syndrome; Hereditary neoplastic syndrome; Neoplastic Syndromes, Hereditary. Identifiers: Orphanet 140162, MedGen C0027672, MeSH D009386, MONDO:0015356.
Tuberous sclerosis syndrome (TSC). Also called: Tuberous Sclerosis Complex; Tuberous sclerosis. Identifiers: Orphanet 805, MedGen C0041341, MONDO:0001734.

Allele frequency attached by ClinVar (database versions not stated): gnomAD exomes 0.00001; TOPMed 0.00001.
gnomAD v4.1: 13 of 1,550,840 alleles (0.00084%); highest among the groups gnomAD compares: South Asian, 0.0036%; no homozygotes.

Submissions (8):

Labcorp Genetics (formerly Invitae), Labcorp
Classification: Likely benign for Tuberous sclerosis 2. Last evaluated: 2026-01-16. Review status: criteria provided, single submitter. Criteria: Invitae Variant Classification Sherloc (09022015). Collection method: clinical testing. Allele origin: germline.

Color Diagnostics, LLC DBA Color Health
Classification: Likely benign for Tuberous sclerosis syndrome. Last evaluated: 2025-06-24. Review status: criteria provided, single submitter. Criteria: ACMG Guidelines, 2015. Collection method: clinical testing. Allele origin: germline.

GeneDx
Classification: Uncertain significance. Last evaluated: 2024-02-28. Review status: criteria provided, single submitter. Criteria: GeneDx Variant Classification Process June 2021. Collection method: clinical testing. Allele origin: germline. Affected: yes.
Comment: In silico analysis supports that this missense variant does not alter protein structure/function; Identified in a cohort of patients with Cowden syndrome or Bannayan-Riley-Ruvalcaba syndrome without identifiable PTEN variants (PMID: 29684080); This variant is associated with the following publications: (PMID: 27994516, 29684080)

All of Us Research Program, National Institutes of Health
Classification: Uncertain significance for Tuberous sclerosis syndrome. Last evaluated: 2024-02-05. Review status: criteria provided, single submitter. Criteria: ACMG Guidelines, 2015. Collection method: clinical testing. Allele origin: germline. Inheritance: Autosomal dominant inheritance. Observed: 4 variant alleles, 4 heterozygotes.
Comment: This missense variant replaces arginine with glutamine at codon 458 of the TSC2 protein. Computational prediction suggests that this variant may not impact protein structure and function (internally defined REVEL score threshold <= 0.5, PMID: 27666373). To our knowledge, functional studies have not been reported for this variant. This variant has not been reported in individuals affected with tuberous sclerosis complex in the literature. This variant has been identified in 1/155654 chromosomes in the general population by the Genome Aggregation Database (gnomAD). The available evidence is insufficient to determine the role of this variant in disease conclusively. Therefore, this variant is classified as a Variant of Uncertain Significance.

This study involves interpretation of variants in research participants for the purpose of population health screening. Participant phenotype was not available at the time of variant classification. Additional details can be found in publication PMID: 35346344, PMCID: PMC8962531

Ambry Genetics
Classification: Likely benign for Hereditary cancer-predisposing syndrome. Last evaluated: 2023-11-18. Review status: criteria provided, single submitter. Criteria: Ambry Variant Classification Scheme 2023. Collection method: clinical testing. Allele origin: germline.

Genome-Nilou Lab
Classification: Uncertain significance for Tuberous sclerosis 2. Last evaluated: 2021-11-07. Review status: criteria provided, single submitter. Criteria: ACMG Guidelines, 2015. Collection method: clinical testing. Allele origin: germline. Affected: no.

Revvity Omics, Revvity
Classification: Uncertain significance for Tuberous sclerosis 2. Last evaluated: 2019-05-01. Review status: criteria provided, single submitter. Criteria: ACMG Guidelines, 2015. Collection method: clinical testing. Allele origin: germline.

Fulgent Genetics
Classification: Uncertain significance for Lymphangiomyomatosis; Isolated focal cortical dysplasia type II; Tuberous sclerosis 2. Last evaluated: 2018-10-31. Review status: criteria provided, single submitter. Criteria: ACMG Guidelines, 2015. Collection method: clinical testing. Allele origin: unknown.

Literature cited by the submitters: PubMed 29684080 (cited by Ambry Genetics).